The following is an entry in ClinVar:

ClinVar aggregate classification (germline): Pathogenic (1 of 4 stars; one submission).

Conditions:
Bethlem myopathy 1A. Also called: MYOPATHY, BENIGN CONGENITAL, WITH CONTRACTURES; Bethlem myopathy 1; Bethlem Muscular Dystrophy. Identifiers: Orphanet 610, MedGen CN029274, MONDO:0024530, OMIM 158810.

Submission:

Labcorp Genetics (formerly Invitae), Labcorp
Classification: Pathogenic for Bethlem myopathy 1A. Last evaluated: 2023-06-25. Review status: criteria provided, single submitter. Criteria: Invitae Variant Classification Sherloc (09022015). Collection method: clinical testing. Allele origin: germline.
Comment: This sequence change creates a premature translational stop signal (p.Ser623*) in the COL6A1 gene. It is expected to result in an absent or disrupted protein product. Loss-of-function variants in COL6A1 are known to be pathogenic (PMID: 19884007, 20976770). This variant is not present in population databases (gnomAD no frequency). This variant has not been reported in the literature in individuals affected with COL6A1-related conditions. For these reasons, this variant has been classified as Pathogenic.

Literature cited by the submitters: PubMed 19884007; PubMed 20976770.

NM_001848.3(COL6A1):c.1868C>G (p.Ser623Ter)

Gene: COL6A1 (collagen type VI alpha 1 chain; plus strand). Cytogenetic location: 21q22.3.
Variant type: single nucleotide variant.
Coding change: c.1868C>G on transcript NM_001848.3 (MANE Select); coding-DNA position 1868, C replaced by G.
Protein change: p.Ser623Ter; replaces serine 623 with a stop codon.
Molecular consequence: nonsense.
Genome position (GRCh38, 1-based): chr21:46,001,298, C>G. VCF-style: chr21-46001298-C-G. GRCh37 (hg19) VCF-style: chr21-47421212-C-G.
Other names: short protein forms S623*.
Identifiers: ClinVar variation 2915575 (VCV002915575.3), dbSNP rs2526347472, ClinGen allele CA410533305.